The following is an entry in ClinVar:

NM_005428.4(VAV1):c.1019T>C (p.Leu340Pro)

Gene: VAV1 (vav guanine nucleotide exchange factor 1; plus strand). Cytogenetic location: 19p13.3.
Variant type: single nucleotide variant.
Coding change: c.1019T>C on transcript NM_005428.4 (MANE Select); coding-DNA position 1019, T replaced by C.
Protein change: p.Leu340Pro; replaces leucine 340 with proline.
Molecular consequence: missense variant.
Genome position (GRCh38, 1-based): chr19:6,828,167, T>C. VCF-style: chr19-6828167-T-C. GRCh37 (hg19) VCF-style: chr19-6828178-T-C.
Other names: c.1019T>C, p.Leu340Pro (NM_001258206.2); c.923T>C, p.Leu308Pro (NM_001258207.2); short protein forms L340P, L308P.
Identifiers: ClinVar variation 1423468 (VCV001423468.6), dbSNP rs2144781859, ClinGen allele CA403620709.

ClinVar aggregate classification (germline): Uncertain significance (1 of 4 stars; one submission).

Submission:

Labcorp Genetics (formerly Invitae), Labcorp
Classification: Uncertain significance. Last evaluated: 2021-10-28. Review status: criteria provided, single submitter. Criteria: Invitae Variant Classification Sherloc (09022015). Collection method: clinical testing. Allele origin: germline.
Comment: This sequence change replaces leucine, which is neutral and non-polar, with proline, which is neutral and non-polar, at codon 340 of the VAV1 protein (p.Leu340Pro). This variant is not present in population databases (gnomAD no frequency). This variant has not been reported in the literature in individuals affected with VAV1-related conditions. Algorithms developed to predict the effect of missense changes on protein structure and function are either unavailable or do not agree on the potential impact of this missense change (SIFT: "Deleterious"; PolyPhen-2: "Probably Damaging"; Align-GVGD: "Class C0"). In summary, the available evidence is currently insufficient to determine the role of this variant in disease. Therefore, it has been classified as a Variant of Uncertain Significance.